The following is an entry in ClinVar:

ClinVar aggregate classification (germline): Likely benign (0 of 4 stars; one submission).

Conditions:
CREBBP-related disorder. Also called: CREBBP-related disorders; CREBBP-related condition.

Submission:

PreventionGenetics, part of Exact Sciences
Classification: Likely benign for CREBBP-related condition. Last evaluated: 2019-07-30. Review status: no assertion criteria provided. Collection method: clinical testing. Allele origin: germline.
Comment: This variant is classified as likely benign based on ACMG/AMP sequence variant interpretation guidelines (Richards et al. 2015 PMID: 25741868, with internal and published modifications).

NM_004380.3(CREBBP):c.3370-5_3370-4dup

Gene: CREBBP (CREB binding lysine acetyltransferase; minus strand). Cytogenetic location: 16p13.3.
Variant type: Duplication.
Coding change: c.3370-5_3370-4dup on transcript NM_004380.3 (MANE Select); 5 bases into the intron before coding-DNA position 3370 through 4 bases into the intron before coding-DNA position 3370, 2 bases duplicated (TT; older notation c.3370-5_3370-4dupTT).
Molecular consequence: intron variant.
Genome position (GRCh38, 1-based): chr16:3,758,052-3,758,053, AA duplicated on the plus strand (TT on the coding strand, the reverse complement: CREBBP is on the minus strand); duplicating any 2 consecutive bases within chr16:3,758,052-3,758,064 gives the same sequence; the c. name uses the placement nearest the transcript's 3' end. VCF-style (leftmost placement, unchanged base first): chr16-3758051-T-TAA. GRCh37 (hg19) VCF-style: chr16-3808052-T-TAA.
Other names: c.3256-5_3256-4dup (NM_001079846.1).
Identifiers: ClinVar variation 3042850 (VCV003042850.2), dbSNP rs75459669, ClinGen allele CA7869824.
Genomic context (GRCh38, chr16:3,758,051, plus strand): 5'-CCAGCTTCCGCTTGATGGTGGAGAGGTCCATGGGATTCTTTACGATGTCAAAATAGTCCT[T>TAA]AAAAAAAAAAAAATGGTCTCAGTATAGGGAATCCCCCAATATCCAAATGCCAGTCTCATC-3'